The following is an entry in ClinVar:

ClinVar aggregate classification (germline): Uncertain significance (1 of 4 stars; one submission).

Conditions:
Congenital myasthenic syndrome 8. Also called: MYASTHENIC SYNDROME, CONGENITAL, DUE TO AGRIN DEFICIENCY; Myasthenic syndrome, congenital, 8, with pre- and postsynaptic defects. Identifiers: Orphanet 590, MedGen C3808739, MONDO:0014052, OMIM 615120.

Allele frequency attached by ClinVar (database versions not stated): gnomAD exomes below 0.00001; TOPMed below 0.00001.

Submission:

Labcorp Genetics (formerly Invitae), Labcorp
Classification: Uncertain significance for Congenital myasthenic syndrome 8. Last evaluated: 2019-09-08. Review status: criteria provided, single submitter. Criteria: Invitae Variant Classification Sherloc (09022015). Collection method: clinical testing. Allele origin: germline.
Comment: In summary, the available evidence is currently insufficient to determine the role of this variant in disease. Therefore, it has been classified as a Variant of Uncertain Significance. Algorithms developed to predict the effect of missense changes on protein structure and function are either unavailable or do not agree on the potential impact of this missense change (SIFT: "Deleterious"; PolyPhen-2: "Possibly Damaging"; Align-GVGD: "Class C0"). This variant has not been reported in the literature in individuals with AGRN-related conditions. This variant is not present in population databases (ExAC no frequency). This sequence change replaces leucine with valine at codon 515 of the AGRN protein (p.Leu515Val). The leucine residue is moderately conserved and there is a small physicochemical difference between leucine and valine.

NM_198576.4(AGRN):c.1543C>G (p.Leu515Val)

Gene: AGRN (agrin; plus strand). Cytogenetic location: 1p36.33.
Variant type: single nucleotide variant.
Coding change: c.1543C>G on transcript NM_198576.4 (MANE Select); coding-DNA position 1543, C replaced by G.
Protein change: p.Leu515Val; replaces leucine 515 with valine.
Molecular consequence: missense variant.
Genome position (GRCh38, 1-based): chr1:1,043,397, C>G. VCF-style: chr1-1043397-C-G. GRCh37 (hg19) VCF-style: chr1-978777-C-G.
Other names: c.1543C>G, p.Leu515Val (NM_001305275.2); c.1228C>G, p.Leu410Val (NM_001364727.2); short protein forms L515V, L410V.
Identifiers: ClinVar variation 940012 (VCV000940012.7), dbSNP rs1007639697, ClinGen allele CA16753631.